The following is an entry in ClinVar:

ClinVar aggregate classification (germline): Uncertain significance (1 of 4 stars; one submission).

Conditions:
PHIP-related disorder. Also called: PHIP-related condition; PHIP-related disorders.

gnomAD v4.1: 14 of 1,579,774 alleles (0.00089%); highest among the groups gnomAD compares: African/African-American, 0.0014%; no homozygotes.

Submission:

PreventionGenetics, part of Exact Sciences
Classification: Uncertain significance for PHIP-related condition. Last evaluated: 2024-10-23. Review status: criteria provided, single submitter. Criteria: ACMG Guidelines, 2015. Collection method: clinical testing. Allele origin: germline.
Comment: The PHIP c.4024C>T variant is predicted to result in the amino acid substitution p.Arg1342Cys. To our knowledge, this variant has not been reported in the literature or in a large population database (gnomAD), indicating this variant is rare. At this time, the clinical significance of this variant is uncertain due to the absence of conclusive functional and genetic evidence.

NM_017934.7(PHIP):c.4024C>T (p.Arg1342Cys)

Genes: IRAK1BP1 (interleukin 1 receptor associated kinase 1 binding protein 1; plus strand), PHIP (PHIP subunit of CUL4-Ring ligase complex; minus strand). Cytogenetic location: 6q14.1.
Variant type: single nucleotide variant.
Coding change: c.4024C>T on transcript NM_017934.7 (MANE Select); coding-DNA position 4024, C replaced by T.
Protein change: p.Arg1342Cys; replaces arginine 1342 with cysteine.
Molecular consequence: missense variant.
Genome position (GRCh38, 1-based): chr6:78,954,843, G>A on the plus strand (C>T on the coding strand, the complement: PHIP is on the minus strand). VCF-style: chr6-78954843-G-A. GRCh37 (hg19) VCF-style: chr6-79664560-G-A.
Other names: short protein forms R1342C.
Identifiers: ClinVar variation 4978017 (VCV004978017.1).